The following is an entry in ClinVar:

NM_014363.6(SACS):c.12534G>A (p.Pro4178=)

Gene: SACS (sacsin molecular chaperone; minus strand). Cytogenetic location: 13q12.12.
Variant type: single nucleotide variant.
Coding change: c.12534G>A on transcript NM_014363.6 (MANE Select); coding-DNA position 12534, G replaced by A.
Protein change: p.Pro4178=; no amino-acid change (proline 4178 retained).
Molecular consequence: synonymous variant.
Genome position (GRCh38, 1-based): chr13:23,331,342, C>T on the plus strand (G>A on the coding strand, the complement: SACS is on the minus strand). VCF-style: chr13-23331342-C-T. GRCh37 (hg19) VCF-style: chr13-23905481-C-T.
Other names: c.12093G>A, p.Pro4031= (NM_001278055.2); c.12534G>A (NM_014363.5).
Identifiers: ClinVar variation 1952708 (VCV001952708.6), dbSNP rs765128892, ClinGen allele CA6910136.

ClinVar aggregate classification (germline): Likely benign. Review status: criteria provided, multiple submitters, no conflicts (2 of 4 stars). 2 submissions from 2 submitters: Likely benign (2). Last evaluated 2026-01-09.

Conditions:
SACS-related disorder. Also called: SACS-related condition.
Spastic paraplegia. Identifiers: MedGen C0037772, HP:0001258.

Allele frequency attached by ClinVar (database versions not stated): ExAC 0.00004; TOPMed 0.00005; gnomAD 0.00007.
gnomAD v4.1: 39 of 1,613,766 alleles (0.0024%); highest among the groups gnomAD compares: African/African-American, 0.017%; no homozygotes.

Submissions (2):

Labcorp Genetics (formerly Invitae), Labcorp
Classification: Likely benign for Spastic paraplegia. Last evaluated: 2026-01-09. Review status: criteria provided, single submitter. Criteria: Invitae Variant Classification Sherloc (09022015). Collection method: clinical testing. Allele origin: germline.

PreventionGenetics, part of Exact Sciences
Classification: Likely benign for SACS-related condition. Last evaluated: 2025-12-29. Review status: criteria provided, single submitter. Criteria: ACMG Guidelines, 2015. Collection method: clinical testing. Allele origin: germline.
Comment: This variant is classified as likely benign based on ACMG/AMP sequence variant interpretation guidelines (Richards et al. 2015 PMID: 25741868, with internal and published modifications).